The following is an entry in ClinVar:

ClinVar aggregate classification (germline): Uncertain significance (1 of 4 stars; one submission).

Submission:

Labcorp Genetics (formerly Invitae), Labcorp
Classification: Uncertain significance. Last evaluated: 2025-06-12. Review status: criteria provided, single submitter. Criteria: Invitae Variant Classification Sherloc (09022015). Collection method: clinical testing. Allele origin: germline.
Comment: This sequence change replaces threonine, which is neutral and polar, with alanine, which is neutral and non-polar, at codon 1249 of the FN1 protein (p.Thr1249Ala). This variant is not present in population databases (gnomAD no frequency). This variant has not been reported in the literature in individuals affected with FN1-related conditions. An algorithm developed to predict the effect of missense changes on protein structure and function outputs the following: PolyPhen-2: "Benign". The alanine amino acid residue is found in multiple mammalian species, which suggests that this missense change does not adversely affect protein function. In summary, the available evidence is currently insufficient to determine the role of this variant in disease. Therefore, it has been classified as a Variant of Uncertain Significance.

NM_212482.4(FN1):c.3745A>G (p.Thr1249Ala)

Gene: FN1 (fibronectin 1; minus strand). Cytogenetic location: 2q35.
Variant type: single nucleotide variant.
Coding change: c.3745A>G on transcript NM_212482.4 (MANE Select); coding-DNA position 3745, A replaced by G.
Protein change: p.Thr1249Ala; replaces threonine 1249 with alanine.
Molecular consequence: missense variant.
Genome position (GRCh38, 1-based): chr2:215,394,579, T>C on the plus strand (A>G on the coding strand, the complement: FN1 is on the minus strand). VCF-style: chr2-215394579-T-C. GRCh37 (hg19) VCF-style: chr2-216259302-T-C.
Other names: c.3745A>G, p.Thr1249Ala (NM_001306129.2, NM_001306130.2, NM_001306131.2 and 13 more transcripts); short protein forms T1249A.
Identifiers: ClinVar variation 4798659 (VCV004798659.1).